The following is an entry in ClinVar:

ClinVar aggregate classification (germline): Uncertain significance (1 of 4 stars; one submission).

Submission:

Geisinger Autism and Developmental Medicine Institute, Geisinger Health System
Classification: Uncertain significance. Last evaluated: 2018-04-03. Review status: criteria provided, single submitter. Criteria: ACMG CNV Guidelines, 2011. Collection method: provider interpretation. Allele origin: maternal.
Comment: The deletion includes a portion of the TPRX1 gene and the entire CRX gene. Deletions and loss of function variants in CRX have been associated with Leber congenital amaurosis 7, cone-rod dystrophy 2, and late-onset retinitis pigmentosa.

Single allele

Genes: CRX (cone-rod homeobox; plus strand), TPRX1 (tetrapeptide repeat homeobox 1; minus strand). Cytogenetic location: 19q13.33.
Variant type: Deletion.
Identifiers: ClinVar variation 560119 (VCV000560119.3).